The following is an entry in ClinVar:

NM_003743.5(NCOA1):c.1135T>C (p.Ser379Pro)

Gene: NCOA1 (nuclear receptor coactivator 1; plus strand). Cytogenetic location: 2p23.3.
Variant type: single nucleotide variant.
Coding change: c.1135T>C on transcript NM_003743.5 (MANE Select); coding-DNA position 1135, T replaced by C.
Protein change: p.Ser379Pro; replaces serine 379 with proline.
Molecular consequence: missense variant.
Genome position (GRCh38, 1-based): chr2:24,706,605, T>C. VCF-style: chr2-24706605-T-C. GRCh37 (hg19) VCF-style: chr2-24929474-T-C.
Other names: c.1135T>C, p.Ser379Pro (NM_001362950.1, NM_001362952.1, NM_001362954.1 and 3 more transcripts); short protein forms S379P.
Identifiers: ClinVar variation 5000256 (VCV005000256.1).
Genomic context (GRCh38, chr2:24,706,605, plus strand): 5'-TAATAATGTCTTTTTCCCCCTAGGGAGCACAGTGGGCTTTCTCCTCAAGATGACACTAAT[T>C]CTGGAATGTCAATTCCCCGAGTAAATCCCTCGGTCAATCCTAGTATCTCTCCAGCTCATG-3'
Protein context (NP_003734.3, residues 369-389): SGLSPQDDTN[Ser379Pro]GMSIPRVNPS

ClinVar aggregate classification (germline): Uncertain significance (1 of 4 stars; one submission).

Conditions:
NCOA1-related disorder. Also called: NCOA1-related condition.

Submission:

PreventionGenetics, part of Exact Sciences
Classification: Uncertain significance for NCOA1-related condition. Last evaluated: 2025-03-19. Review status: criteria provided, single submitter. Criteria: ACMG Guidelines, 2015. Collection method: clinical testing. Allele origin: germline.
Comment: The NCOA1 c.1135T>C variant is predicted to result in the amino acid substitution p.Ser379Pro. To our knowledge, this variant has not been reported in the literature or in a large population database (gnomAD), indicating this variant is rare. At this time, the clinical significance of this variant is uncertain due to the absence of conclusive functional and genetic evidence.